The following is an entry in ClinVar:

NM_014244.5(ADAMTS2):c.69_70insTATAAGAGACAGT (p.Pro24fs)

Gene: ADAMTS2 (ADAM metallopeptidase with thrombospondin type 1 motif 2; minus strand). Cytogenetic location: 5q35.3.
Variant type: Insertion.
Coding change: c.69_70insTATAAGAGACAGT on transcript NM_014244.5 (MANE Select); coding-DNA positions 69 to 70, TATAAGAGACAGT inserted.
Protein change: p.Pro24fs; shifts the reading frame from proline 24.
Molecular consequence: frameshift variant.
Genome position: GRCh38 VCF-style: chr5-179345259-G-GACTGTCTCTTATA. GRCh37 (hg19) VCF-style: chr5-178772260-G-GACTGTCTCTTATA.
Other names: c.69_70insTATAAGAGACAGT, p.Pro24fs (NM_021599.4); short protein forms P24fs.
Identifiers: ClinVar variation 5010594 (VCV005010594.1).
Genomic context (GRCh38, chr5:179,345,259, plus strand): 5'-CGGCGGCGGCGGCGAGCCTGGCGTTCGCGGGCGGCGGCGGCGGCGGCAGGAGCGGCGGCG[G>GACTGTCTCTTATA]CAGCAGCAGCAGCAGCAGCAGCAGCGCGGGGCAGAGCAGGCGGCGAGCGGCTCCCGCCGG-3'

ClinVar aggregate classification (germline): Pathogenic (1 of 4 stars; one submission).

Conditions:
Ehlers-Danlos syndrome, dermatosparaxis type. Also called: EDS VIIC; Dermatosparaxis; Ehlers-Danlos syndrome, type VII, autosomal recessive. Identifiers: Orphanet 1901, MedGen C2700425, MONDO:0009161, OMIM 225410.

Submission:

Myriad Genetics, Inc.
Classification: Pathogenic for Ehlers-Danlos syndrome, dermatosparaxis type. Last evaluated: 2024-05-14. Review status: criteria provided, single submitter. Criteria: Myriad Autosomal Dominant, Autosomal Recessive and X-Linked Classification Criteria (2023). Collection method: clinical testing. Allele origin: unknown.
Comment: NM_014244.4(ADAMTS2):c.69_70ins13(P24Yfs*46) is expected to be pathogenic in the context of Ehlers-Danlos syndrome, ADAMTS2-related. This variant is predicted to lead to an abnormal or absent protein product due to the creation of a premature termination codon in ADAMTS2, a gene where loss-of-function variants are known to be pathogenic. Please note: this variant was assessed in the context of healthy population screening.